The following is an entry in ClinVar:

NM_001378778.1(MPDZ):c.1197A>G (p.Lys399=)

Gene: MPDZ (multiple PDZ domain crumbs cell polarity complex component; minus strand). Cytogenetic location: 9p23.
Variant type: single nucleotide variant.
Coding change: c.1197A>G on transcript NM_001378778.1 (MANE Select); coding-DNA position 1197, A replaced by G.
Protein change: p.Lys399=; no amino-acid change (lysine 399 retained).
Molecular consequence: synonymous variant.
Genome position (GRCh38, 1-based): chr9:13,217,184, T>C on the plus strand (A>G on the coding strand, the complement: MPDZ is on the minus strand). VCF-style: chr9-13217184-T-C. GRCh37 (hg19) VCF-style: chr9-13217183-T-C.
Other names: c.1197A>G, p.Lys399= (NM_001261406.2, NM_001261407.2, NM_001330637.2 and 14 more transcripts); c.1197A>G (NM_003829.4).
Identifiers: ClinVar variation 211507 (VCV000211507.16), dbSNP rs767284244, ClinGen allele CA207171.

ClinVar aggregate classification (germline): Conflicting classifications of pathogenicity. Review status: criteria provided, conflicting classifications (1 of 4 stars). 4 submissions from 4 submitters: Likely pathogenic (1); Uncertain significance (1); Likely benign (1). 1 of the submissions does not count toward it. Last evaluated 2026-08-10.

Conditions:
Fetal anomalies with a likely genetic cause.
MPDZ-related disorder. Also called: MPDZ-related condition.

Allele frequency attached by ClinVar (database versions not stated): gnomAD 0.00005; gnomAD exomes 0.00005 and 0.00013; TOPMed 0.00006; ExAC 0.00011.
gnomAD v4.1: 193 of 1,573,320 alleles (0.012%); highest among the groups gnomAD compares: Non-Finnish European, 0.016%; no homozygotes.

Submissions (4):

Genetics Laboratory, Great Ormond Street Hospital NHS Foundation Trust, North Thames Genomic Laboratory Hub
Classification: Likely pathogenic for Fetal anomalies with a likely genetic cause. Last evaluated: 2026-08-10. Review status: criteria provided, single submitter. Criteria: ACGS Best Practice Guidelines for Variant Classification in Rare Disease 2024 v1.2. Collection method: clinical testing. Allele origin: germline. Affected: yes.
Comment: PM2_moderate, PP3_supporting, PM3_moderate, PP4_supporting

Labcorp Genetics (formerly Invitae), Labcorp
Classification: Likely benign. Last evaluated: 2025-09-22. Review status: criteria provided, single submitter. Criteria: Invitae Variant Classification Sherloc (09022015). Collection method: clinical testing. Allele origin: germline.

Genetic Services Laboratory, University of Chicago
Classification: Uncertain significance. Last evaluated: 2015-05-21. Review status: criteria provided, single submitter. Criteria: ACMG Guidelines, 2015. Collection method: clinical testing. Allele origin: germline.

PreventionGenetics, part of Exact Sciences
Classification: Likely benign for MPDZ-related condition. Last evaluated: 2019-10-10. Review status: no assertion criteria provided. Collection method: clinical testing. Allele origin: germline. Not counted in ClinVar's aggregate classification.
Comment: This variant is classified as likely benign based on ACMG/AMP sequence variant interpretation guidelines (Richards et al. 2015 PMID: 25741868, with internal and published modifications).